The following is an entry in ClinVar:

ClinVar aggregate classification (germline): Pathogenic (1 of 4 stars; one submission).

Conditions:
Polycystic kidney disease 4 (PKD4). Also called: PKD3; Autosomal Recessive Polycystic Kidney Disease – PKHD1; POLYCYSTIC KIDNEY AND HEPATIC DISEASE 1; POLYCYSTIC KIDNEY DISEASE, INFANTILE, TYPE I; POLYCYSTIC KIDNEY DISEASE 4 WITH OR WITHOUT POLYCYSTIC LIVER DISEASE. Identifiers: MedGen C4540575, MONDO:0033004, OMIM 263200.

Submission:

Myriad Genetics, Inc.
Classification: Pathogenic for Polycystic kidney disease 4. Last evaluated: 2025-11-13. Review status: criteria provided, single submitter. Criteria: Myriad Autosomal Dominant, Autosomal Recessive and X-Linked Classification Criteria (2023). Collection method: clinical testing. Allele origin: unknown.
Comment: NM_138694.3(PKHD1):c.2626dupG(A876Gfs*9) is expected to be pathogenic in the context of autosomal recessive polycystic kidney disease, PKHD1-related. This variant is predicted to lead to an abnormal or absent protein product due to the creation of a premature termination codon in PKHD1, a gene where loss-of-function variants are known to be pathogenic. Please note: this variant was assessed in the context of healthy population screening.

NM_138694.4(PKHD1):c.2626dup (p.Ala876fs)

Gene: PKHD1 (PKHD1 ciliary IPT domain containing fibrocystin/polyductin; minus strand). Cytogenetic location: 6p12.2.
Variant type: Duplication.
Coding change: c.2626dup on transcript NM_138694.4 (MANE Select); coding-DNA position 2626, one base duplicated (G; older notation c.2626dupG).
Protein change: p.Ala876fs; shifts the reading frame from alanine 876.
Molecular consequence: frameshift variant.
Genome position (GRCh38, 1-based): chr6:52,045,055, C duplicated on the plus strand (G on the coding strand, the reverse complement: PKHD1 is on the minus strand). VCF-style (leftmost placement, unchanged base first): chr6-52045054-G-GC. GRCh37 (hg19) VCF-style: chr6-51909852-G-GC.
Other names: c.2626dup, p.Ala876fs (NM_170724.3); short protein forms A876fs.
Identifiers: ClinVar variation 5015212 (VCV005015212.1).